The following is an entry in ClinVar:

ClinVar aggregate classification (germline): Pathogenic. Review status: criteria provided, single submitter (1 of 4 stars). 2 submissions from 2 submitters: Pathogenic (1). 1 of the submissions does not count toward it. Last evaluated 2023-10-06.

Conditions:
Intellectual developmental disorder, autosomal recessive 70. Also called: MENTAL RETARDATION, AUTOSOMAL RECESSIVE 70. Identifiers: MedGen C5193077, MONDO:0032729, OMIM 618402.

Allele frequency attached by ClinVar (database versions not stated): gnomAD exomes 0.00001; TOPMed 0.00002; gnomAD 0.00003.

Submissions (2):

GeneDx
Classification: Pathogenic. Last evaluated: 2023-10-06. Review status: criteria provided, single submitter. Criteria: GeneDx Variant Classification Process June 2021. Collection method: clinical testing. Allele origin: germline. Affected: yes.
Comment: Nonsense variant predicted to result in protein truncation or nonsense mediated decay in a gene for which loss of function is a known mechanism of disease; Not observed in large population cohorts (gnomAD); This variant is associated with the following publications: (PMID: 29522154)

OMIM
Classification: Pathogenic for INTELLECTUAL DEVELOPMENTAL DISORDER, AUTOSOMAL RECESSIVE 70. Last evaluated: 2022-02-14. Review status: no assertion criteria provided. Collection method: literature only. Allele origin: germline. Not counted in ClinVar's aggregate classification.

Literature cited by the submitters: PubMed 29522154 (cited by OMIM).

NM_001271838.2(RSRC1):c.205C>T (p.Arg69Ter)

Gene: RSRC1 (arginine and serine rich coiled-coil 1; plus strand). Cytogenetic location: 3q25.32.
Variant type: single nucleotide variant.
Coding change: c.205C>T on transcript NM_001271838.2 (MANE Select); coding-DNA position 205, C replaced by T.
Protein change: p.Arg69Ter; replaces arginine 69 with a stop codon.
Molecular consequence: nonsense.
Genome position (GRCh38, 1-based): chr3:158,123,876, C>T. VCF-style: chr3-158123876-C-T. GRCh37 (hg19) VCF-style: chr3-157841665-C-T.
Other names: c.205C>T, p.Arg69Ter (NM_001271834.2, NM_016625.4); c.205C>T (NM_016625.3); short protein forms R69*.
Identifiers: ClinVar variation 626266 (VCV000626266.3), dbSNP rs868818936, ClinGen allele CA86657760.